The following is an entry in ClinVar:

ClinVar aggregate classification (germline): Conflicting classifications of pathogenicity. Review status: criteria provided, conflicting classifications (1 of 4 stars). 7 submissions from 7 submitters: Pathogenic (1); Likely pathogenic (3); Uncertain significance (3). Last evaluated 2025-10-24.

Conditions:
Noonan syndrome 10 (NS10). Identifiers: Orphanet 648, MedGen C4225280, MONDO:0014693, OMIM 616564.
Hereditary cancer-predisposing syndrome. Also called: Tumor predisposition; Neoplastic Syndromes, Hereditary; Hereditary Cancer Syndrome; Hereditary neoplastic syndrome. Identifiers: Orphanet 140162, MedGen C0027672, MeSH D009386, MONDO:0015356.
Cardiovascular phenotype. Identifiers: MedGen CN230736.
RASopathy. Also called: rasopathies; Noonan spectrum disorder. Identifiers: Orphanet 536391, MedGen C5555857, MONDO:0021060.
Noonan syndrome 2 (NS2). Identifiers: Orphanet 648, MedGen C1854469, MONDO:0011531, OMIM 605275.
LZTR1-related schwannomatosis. Also called: Schwannomatosis-2, susceptibility to; Schwannomatosis 2. Identifiers: Orphanet 93921, MedGen C3810283, MONDO:0014299, OMIM 615670.

Allele frequency attached by ClinVar (database versions not stated): gnomAD exomes below 0.00001; TOPMed below 0.00001.
gnomAD v4.1: 6 of 1,607,192 alleles (0.00037%); highest among the groups gnomAD compares: African/African-American, 0.0013%; no homozygotes.

Submissions (7):

Victorian Clinical Genetics Services, Murdoch Childrens Research Institute
Classification: Likely pathogenic for Noonan syndrome 10. Last evaluated: 2025-10-24. Review status: criteria provided, single submitter. Criteria: ACMG Guidelines, 2015. Collection method: clinical testing. Allele origin: germline. Affected: yes.
Comment: This variant is classified as Likely pathogenic. Evidence in support of pathogenic classification: Variant is present in gnomAD <0.01 (v4: 6 heterozygote(s), 0 homozygote(s)). Additional information: Variant is predicted to result in a missense amino acid change from Arg to His; This variant is heterozygous; This gene is associated with both recessive and dominant disease; Alternative amino acid change(s) at the same position are present in gnomAD (highest allele count: v4: 3 heterozygote(s), 0 homozygote(s)); Previous reports of pathogenicity for this variant are conflicting. This variant has been classified as pathogenic, likely pathogenic and a VUS by clinical laboratories (ClinVar); No published evidence of segregation with disease has been identified for this variant; No published functional evidence has been identified for this variant; Other missense variants comparable to the one identified in this case have inconclusive previous evidence for pathogenicity. The p.(Arg412Cys) variant has been classified as a VUS by the ClinGen RASopathy Variant Curation Expert Panel. The p.(Arg412Leu) variant has also been classified as a VUS by a clinical laboratory (ClinVar); Variant is not located in an established domain, motif, hotspot or informative constraint region; Missense variant with inconclusive in silico prediction and uninformative conservation; Loss of function is a known mechanism of disease in this gene and is associated with autosomal recessive Noonan syndrome 2 (MIM#605275). Dominant negative is the suspected mechanism for autosomal dominant Noonan syndrome 10 (MIM#616564).

GeneDx
Classification: Likely pathogenic. Last evaluated: 2025-10-20. Review status: criteria provided, single submitter. Criteria: GeneDx Variant Classification Process June 2021. Collection method: clinical testing. Allele origin: germline.
Comment: Not observed at significant frequency in large population cohorts (gnomAD); In silico analysis supports that this missense variant has a deleterious effect on protein structure/function; Has not been previously published as pathogenic or benign to our knowledge

Labcorp Genetics (formerly Invitae), Labcorp
Classification: Pathogenic. Last evaluated: 2025-09-19. Review status: criteria provided, single submitter. Criteria: Invitae Variant Classification Sherloc (09022015). Collection method: clinical testing. Allele origin: germline.
Comment: This sequence change replaces arginine, which is basic and polar, with histidine, which is basic and polar, at codon 412 of the LZTR1 protein (p.Arg412His). This variant is not present in population databases (gnomAD no frequency). This missense change has been observed in individual(s) with clinical features of Noonan syndrome (internal data). In at least one individual the variant was observed to be de novo. ClinVar contains an entry for this variant (Variation ID: 1517849). Invitae Evidence Modeling of protein sequence and biophysical properties (such as structural, functional, and spatial information, amino acid conservation, physicochemical variation, residue mobility, and thermodynamic stability) indicates that this missense variant is not expected to disrupt LZTR1 protein function with a negative predictive value of 80%. This variant disrupts the p.Arg412 amino acid residue in LZTR1. Other variant(s) that disrupt this residue have been determined to be pathogenic (PMID: 32981126, 33258288; internal data). This suggests that this residue is clinically significant, and that variants that disrupt this residue are likely to be disease-causing. For these reasons, this variant has been classified as Pathogenic.

Women's Health and Genetics/Laboratory Corporation of America, LabCorp
Classification: Likely pathogenic for RASopathy. Last evaluated: 2025-01-23. Review status: criteria provided, single submitter. Criteria: LabCorp Variant Classification Summary - May 2015. Collection method: clinical testing. Allele origin: germline.
Comment: Variant summary: LZTR1 c.1235G>A (p.Arg412His) results in a non-conservative amino acid change in the Kelch IV motif of the encoded protein sequence. Four of five in-silico tools predict a damaging effect of the variant on protein function. A different pathogenic variant at the same codon (c.1234C>T p.Arg412Cys) supports the critical relevance of this residue to PTPN11 protein function. The variant was absent in 238628 control chromosomes. To our knowledge, c.1235G>A has not been reported in the literature in individuals affected with Noonan Syndrome. It has however been observed as a de-novo variant in at-least one individual with features of Noonan syndrome (internal data, partner laboratory). To our knowledge, no experimental evidence demonstrating an impact on protein function has been reported. ClinVar contains an entry for this variant (Variation ID: 1517849). Based on the evidence outlined above, the variant was classified as likely pathogenic.

Ambry Genetics
Classification: Uncertain significance for Cardiovascular phenotype; Hereditary cancer-predisposing syndrome. Last evaluated: 2024-08-06. Review status: criteria provided, single submitter. Criteria: Ambry Variant Classification Scheme 2023. Collection method: clinical testing. Allele origin: germline.
Comment: The p.R412H variant (also known as c.1235G>A), located in coding exon 11 of the LZTR1 gene, results from a G to A substitution at nucleotide position 1235. The arginine at codon 412 is replaced by histidine, an amino acid with highly similar properties. This amino acid position is highly conserved in available vertebrate species. In addition, the in silico prediction for this alteration is inconclusive. Based on the available evidence, the clinical significance of this variant remains unclear.

Blueprint Genetics
Classification: Uncertain significance. Last evaluated: 2022-06-21. Review status: criteria provided, single submitter. Criteria: ACMG Guidelines, 2015. Collection method: clinical testing. Allele origin: germline.

Fulgent Genetics
Classification: Uncertain significance for Noonan syndrome 2; LZTR1-related schwannomatosis; Noonan syndrome 10. Last evaluated: 2022-03-22. Review status: criteria provided, single submitter. Criteria: ACMG Guidelines, 2015. Collection method: clinical testing. Allele origin: unknown.

Literature cited by the submitters: PubMed 32981126 (cited by Labcorp Genetics (formerly Invitae), Labcorp); PubMed 33258288 (cited by Labcorp Genetics (formerly Invitae), Labcorp).

NM_006767.4(LZTR1):c.1235G>A (p.Arg412His)

Gene: LZTR1 (leucine zipper like post translational regulator 1; plus strand). Cytogenetic location: 22q11.21.
Variant type: single nucleotide variant.
Coding change: c.1235G>A on transcript NM_006767.4 (MANE Select); coding-DNA position 1235, G replaced by A.
Protein change: p.Arg412His; replaces arginine 412 with histidine.
Molecular consequence: missense variant.
Genome position (GRCh38, 1-based): chr22:20,992,879, G>A. VCF-style: chr22-20992879-G-A. GRCh37 (hg19) VCF-style: chr22-21347168-G-A.
Other names: short protein forms R412H.
Identifiers: ClinVar variation 1517849 (VCV001517849.17), dbSNP rs935736801, ClinGen allele CA322267992.